The following is an entry in ClinVar:

NM_000553.6(WRN):c.3934G>A (p.Val1312Ile)

Gene: WRN (WRN RecQ like helicase; plus strand). Cytogenetic location: 8p12.
Variant type: single nucleotide variant.
Coding change: c.3934G>A on transcript NM_000553.6 (MANE Select); coding-DNA position 3934, G replaced by A.
Protein change: p.Val1312Ile; replaces valine 1312 with isoleucine.
Molecular consequence: missense variant.
Genome position (GRCh38, 1-based): chr8:31,157,482, G>A. VCF-style: chr8-31157482-G-A. GRCh37 (hg19) VCF-style: chr8-31014998-G-A.
Other names: short protein forms V1312I.
Identifiers: ClinVar variation 2090838 (VCV002090838.4), dbSNP rs2130481174, ClinGen allele CA370929517.

ClinVar aggregate classification (germline): Uncertain significance (1 of 4 stars; one submission).

Conditions:
Werner syndrome (WRN). Identifiers: Orphanet 902, MedGen C0043119, MONDO:0010196, OMIM 277700.

Submission:

Labcorp Genetics (formerly Invitae), Labcorp
Classification: Uncertain significance for Werner syndrome. Last evaluated: 2025-08-15. Review status: criteria provided, single submitter. Criteria: Invitae Variant Classification Sherloc (09022015). Collection method: clinical testing. Allele origin: germline.
Comment: This sequence change replaces valine, which is neutral and non-polar, with isoleucine, which is neutral and non-polar, at codon 1312 of the WRN protein (p.Val1312Ile). This variant is not present in population databases (gnomAD no frequency). This variant has not been reported in the literature in individuals affected with WRN-related conditions. ClinVar contains an entry for this variant (Variation ID: 2090838). An algorithm developed to predict the effect of missense changes on protein structure and function outputs the following: PolyPhen-2: "Benign". The isoleucine amino acid residue is found in multiple mammalian species, which suggests that this missense change does not adversely affect protein function. In summary, the available evidence is currently insufficient to determine the role of this variant in disease. Therefore, it has been classified as a Variant of Uncertain Significance.